The following is an entry in ClinVar:

ClinVar aggregate classification (germline): Likely benign. Review status: criteria provided, multiple submitters, no conflicts (2 of 4 stars). 2 submissions from 2 submitters: Likely benign (2). Last evaluated 2026-07-06.

Conditions:
Rhabdoid tumor predisposition syndrome 2 (RTPS2). Identifiers: Orphanet 231108, Orphanet 69077, MedGen C2750074, MONDO:0013224, OMIM 613325.

gnomAD v4.1: 3 of 1,571,466 alleles (0.00019%); highest among the groups gnomAD compares: Non-Finnish European, 0.00026%; no homozygotes.

Submissions (2):

Myriad Genetics, Inc.
Classification: Likely benign for Rhabdoid tumor predisposition syndrome 2. Last evaluated: 2026-07-06. Review status: criteria provided, single submitter. Criteria: Myriad Autosomal Dominant, Autosomal Recessive and X-Linked Classification Criteria (2023). Collection method: clinical testing. Allele origin: unknown.
Comment: This variant is considered likely benign. This variant is intronic and is not expected to impact mRNA splicing.

Labcorp Genetics (formerly Invitae), Labcorp
Classification: Likely benign for Rhabdoid tumor predisposition syndrome 2. Last evaluated: 2025-10-21. Review status: criteria provided, single submitter. Criteria: Invitae Variant Classification Sherloc (09022015). Collection method: clinical testing. Allele origin: germline.

NM_003072.5(SMARCA4):c.222+9C>A

Gene: SMARCA4 (SWI/SNF related BAF chromatin remodeling complex subunit ATPase 4; plus strand). Cytogenetic location: 19p13.2.
Variant type: single nucleotide variant.
Coding change: c.222+9C>A on transcript NM_003072.5 (MANE Select); 9 bases into the intron after coding-DNA position 222, C replaced by A.
Molecular consequence: intron variant.
Genome position (GRCh38, 1-based): chr19:10,984,382, C>A. VCF-style: chr19-10984382-C-A. GRCh37 (hg19) VCF-style: chr19-11095058-C-A.
Other names: c.222+9C>A (NM_001128844.3, NM_001128849.3, NM_001128847.4 and 5 more transcripts).
Identifiers: ClinVar variation 537913 (VCV000537913.9), dbSNP rs1477506632, ClinGen allele CA658799116.
Genomic context (GRCh38, chr19:10,984,382, plus strand): 5'-CACCCAGGGGCCTGGAGGGTACCCTCAGGACAACATGCACCAGATGCACAAGGTAGGGAT[C>A]CCTGTGCCCGCCTCGCACCTGCGGCCTCTGCCCACTAGGGCTGCAGGCAGCCTCTGGACC-3'